The following is an entry in ClinVar:

NM_000018.4(ACADVL):c.342+15G>A

Gene: ACADVL (acyl-CoA dehydrogenase very long chain; plus strand). Cytogenetic location: 17p13.1.
Variant type: single nucleotide variant.
Coding change: c.342+15G>A on transcript NM_000018.4 (MANE Select); 15 bases into the intron after coding-DNA position 342, G replaced by A.
Molecular consequence: intron variant.
Genome position (GRCh38, 1-based): chr17:7,220,845, G>A. VCF-style: chr17-7220845-G-A. GRCh37 (hg19) VCF-style: chr17-7124164-G-A.
Other names: c.411+15G>A (NM_001270447.2); c.114+15G>A (NM_001270448.2); c.276+15G>A (NM_001033859.3).
Identifiers: ClinVar variation 555732 (VCV000555732.17), dbSNP rs777751102, ClinGen allele CA8337660.

ClinVar aggregate classification (germline): Likely benign. Review status: reviewed by expert panel (3 of 4 stars). 5 submissions from 5 submitters: Likely benign (1). 4 of the submissions do not count toward it. Last evaluated 2026-07-14.

Conditions:
Very long chain acyl-CoA dehydrogenase deficiency (ACADVLD). Also called: VLCAD Deficiency; Very Long-Chain Acyl-Coenzyme A Dehydrogenase Deficiency. Identifiers: Orphanet 26793, MedGen C3887523, MONDO:0008723, OMIM 201475.

Allele frequency attached by ClinVar (database versions not stated): gnomAD 0.00003 and 0.00004; gnomAD exomes 0.00005 and 0.00027; TOPMed 0.00010; ExAC 0.00021.
gnomAD v4.1: 80 of 1,613,976 alleles (0.005%); highest among the groups gnomAD compares: Admixed American, 0.12%; no homozygotes.

Submissions (5):

ClinGen ACADVL Variant Curation Expert Panel, ClinGen
Classification: Likely benign for Very long chain acyl-CoA dehydrogenase deficiency. Last evaluated: 2026-07-14. Review status: reviewed by expert panel. Criteria: ClinGen ACADVL ACMG Specifications ACADVL V2.1. Collection method: curation. Allele origin: germline. Inheritance: Autosomal recessive inheritance.
Comment: The c.342+15G>A (NM_000018.4) variant in ACADVL is an intronic variant which occurs in intron 5 and is not predicted by SpliceAI to impact splicing (BP4, BP7). To our knowledge, this variant has not been reported in the literature in any individuals with very long chain acyl CoA dehydrogenase (VLCAD) deficiency. The highest population minor allele frequency in gnomAD v4.1 is 0.001167 in the Admixed American population (PM2_Supporting, BS1, and BA1 are not met). In summary, this variant meets the criteria to be classified as likely benign for autosomal recessive VLCAD deficiency based on the ACMG/AMP criteria applied, as specified by the ClinGen ACADVL Variant Curation Expert Panel: BP4, BP7 (ACADVL VCEP specifications version 2.1.0; approved September 4, 2025). This variant was originally curated February 28, 2023 and the recurated classification was approved by the expert panel on July 14, 2026.

Labcorp Genetics (formerly Invitae), Labcorp
Classification: Likely benign for Very long chain acyl-CoA dehydrogenase deficiency. Last evaluated: 2026-02-04. Review status: criteria provided, single submitter. Criteria: Invitae Variant Classification Sherloc (09022015). Collection method: clinical testing. Allele origin: germline. Not counted in ClinVar's aggregate classification.

Blueprint Genetics
Classification: Likely benign. Last evaluated: 2024-04-18. Review status: criteria provided, single submitter. Criteria: ACMG Guidelines, 2015. Collection method: clinical testing. Allele origin: germline. Not counted in ClinVar's aggregate classification.

Wong Mito Lab, Molecular and Human Genetics, Baylor College of Medicine
Classification: Uncertain significance for Very long chain acyl-CoA dehydrogenase deficiency. Last evaluated: 2019-11-01. Review status: criteria provided, single submitter. Criteria: ACMG Guidelines, 2015. Collection method: clinical testing. Allele origin: germline. Not counted in ClinVar's aggregate classification.
Comment: The NM_000018.3:c.342+15G>A (NP_000009.1:p.?) [GRCH38: NC_000017.11:g.7220845G>A] variant in ACADVL gene is interpretated to be Uncertain Significance based on ACMG guidelines (PMID: 25741868). This variant has been reported.This variant dose not meet any evidence codes reported in the ACMG guidelines.

Counsyl
Classification: Likely benign for Very long chain acyl-CoA dehydrogenase deficiency. Last evaluated: 2017-12-28. Review status: no assertion criteria provided. Collection method: clinical testing. Allele origin: unknown. Not counted in ClinVar's aggregate classification.